The following is an entry in ClinVar:

ClinVar aggregate classification (germline): Uncertain significance (1 of 4 stars; one submission).

Allele frequency attached by ClinVar (database versions not stated): gnomAD exomes below 0.00001; TOPMed below 0.00001; gnomAD 0.00001.

Submission:

Labcorp Genetics (formerly Invitae), Labcorp
Classification: Uncertain significance. Last evaluated: 2022-12-02. Review status: criteria provided, single submitter. Criteria: Invitae Variant Classification Sherloc (09022015). Collection method: clinical testing. Allele origin: germline.
Comment: ClinVar contains an entry for this variant (Variation ID: 1485351). In summary, the available evidence is currently insufficient to determine the role of this variant in disease. Therefore, it has been classified as a Variant of Uncertain Significance. Variants that disrupt the consensus splice site are a relatively common cause of aberrant splicing (PMID: 17576681, 9536098). Algorithms developed to predict the effect of sequence changes on RNA splicing suggest that this variant is not likely to affect RNA splicing. This variant has not been reported in the literature in individuals affected with CSF1R-related conditions. This variant is not present in population databases (gnomAD no frequency). This sequence change falls in intron 4 of the CSF1R gene. It does not directly change the encoded amino acid sequence of the CSF1R protein. It affects a nucleotide within the consensus splice site.

Literature cited by the submitters: PubMed 17576681; PubMed 9536098.

NM_001288705.3(CSF1R):c.592+3G>A

Gene: CSF1R (colony stimulating factor 1 receptor; minus strand). Cytogenetic location: 5q32.
Variant type: single nucleotide variant.
Coding change: c.592+3G>A on transcript NM_001288705.3 (MANE Select); 3 bases into the intron after coding-DNA position 592, G replaced by A.
Molecular consequence: intron variant.
Genome position (GRCh38, 1-based): chr5:150,080,049, C>T on the plus strand (G>A on the coding strand, the complement: CSF1R is on the minus strand). VCF-style: chr5-150080049-C-T. GRCh37 (hg19) VCF-style: chr5-149459612-C-T.
Other names: c.148+3G>A (NM_001375321.1); c.592+3G>A (NM_005211.4, NM_001375320.1, NM_001349736.2).
Identifiers: ClinVar variation 1485351 (VCV001485351.6), dbSNP rs1408457286, ClinGen allele CA805577629.